The following is an entry in ClinVar:

NM_001110556.2(FLNA):c.2690T>G (p.Val897Gly)

Gene: FLNA (filamin A; minus strand). Cytogenetic location: Xq28.
Variant type: single nucleotide variant.
Coding change: c.2690T>G on transcript NM_001110556.2 (MANE Select); coding-DNA position 2690, T replaced by G.
Protein change: p.Val897Gly; replaces valine 897 with glycine.
Molecular consequence: missense variant.
Genome position (GRCh38, 1-based): chrX:154,362,115, A>C on the plus strand (T>G on the coding strand, the complement: FLNA is on the minus strand). VCF-style: chrX-154362115-A-C. GRCh37 (hg19) VCF-style: chrX-153590483-A-C.
Other names: c.2690T>G, p.Val897Gly (NM_001456.4); short protein forms V897G.
Identifiers: ClinVar variation 2580768 (VCV002580768.4), dbSNP rs2522747341, ClinGen allele CA415233089.
Genomic context (GRCh38, chrX:154,362,115, plus strand): 5'-CCCTTGGTGAGTCCTGAGAACTGGACGTCCAGCTTGCCTTTGCCAGCAGCTTTGGCATTT[A>C]CTGTGAAGTGGGTGGGCTTGCCAAGCTCGACACCTGAGGAACACACAGGGACCATGTAGG-3'
Protein context (NP_001104026.1, residues 887-907): VELGKPTHFT[Val897Gly]NAKAAGKGKL

ClinVar aggregate classification (germline): Uncertain significance. Review status: criteria provided, multiple submitters, no conflicts (2 of 4 stars). 2 submissions from 2 submitters: Uncertain significance (2). Last evaluated 2024-07-01.

Conditions:
Oto-palato-digital syndrome, type II (OPD2). Also called: FACIOPALATOOSSEOUS SYNDROME; OPD II SYNDROME; Otopalatodigital Syndrome Type 2 (FLNA-OPD2); Otopalatodigital Syndrome, Type II. Identifiers: Orphanet 669, Orphanet 90652, MedGen C1844696, MONDO:0010571, OMIM 304120.
Heterotopia, periventricular, X-linked dominant (PVNH1). Also called: PERIVENTRICULAR NODULAR HETEROTOPIA 1; X-linked periventricular heterotopia; PERIVENTRICULAR NODULAR HETEROTOPIA 4; HETEROTOPIA, PERIVENTRICULAR, 1. Identifiers: Orphanet 2149, Orphanet 82004, MedGen C1848213, MONDO:0010233, OMIM 300049.
Melnick-Needles syndrome (MNS). Also called: MELNICK-NEEDLES OSTEODYSPLASTY; OSTEODYSPLASTY OF MELNICK AND NEEDLES; Melnick-Needles Syndrome (FLNA-MNS). Identifiers: Orphanet 2484, MedGen C0025237, MONDO:0010650, OMIM 309350.
Frontometaphyseal dysplasia (FMD1). Identifiers: Orphanet 1826, MedGen C0265293, MONDO:0015942.

Allele frequency attached by ClinVar (database versions not stated): gnomAD exomes below 0.00001.

Submissions (2):

Labcorp Genetics (formerly Invitae), Labcorp
Classification: Uncertain significance for Oto-palato-digital syndrome, type II; Heterotopia, periventricular, X-linked dominant; Frontometaphyseal dysplasia; Melnick-Needles syndrome. Last evaluated: 2024-07-01. Review status: criteria provided, single submitter. Criteria: Invitae Variant Classification Sherloc (09022015). Collection method: clinical testing. Allele origin: germline.
Comment: This sequence change replaces valine, which is neutral and non-polar, with glycine, which is neutral and non-polar, at codon 897 of the FLNA protein (p.Val897Gly). This variant is not present in population databases (gnomAD no frequency). This variant has not been reported in the literature in individuals affected with FLNA-related conditions. ClinVar contains an entry for this variant (Variation ID: 2580768). Advanced modeling of protein sequence and biophysical properties (such as structural, functional, and spatial information, amino acid conservation, physicochemical variation, residue mobility, and thermodynamic stability) has been performed at Invitae for this missense variant, however the output from this modeling did not meet the statistical confidence thresholds required to predict the impact of this variant on FLNA protein function. In summary, the available evidence is currently insufficient to determine the role of this variant in disease. Therefore, it has been classified as a Variant of Uncertain Significance.

GeneDx
Classification: Uncertain significance. Last evaluated: 2023-09-19. Review status: criteria provided, single submitter. Criteria: GeneDx Variant Classification Process June 2021. Collection method: clinical testing. Allele origin: germline. Affected: yes.
Comment: Not observed at significant frequency in large population cohorts (gnomAD); In silico analysis suggests this variant may impact gene splicing. In the absence of RNA/functional studies, the actual effect of this sequence change is unknown.; In silico analysis supports that this missense variant has a deleterious effect on protein structure/function; Has not been previously published as pathogenic or benign to our knowledge